The following is an entry in ClinVar:

NM_000138.5(FBN1):c.629G>A (p.Cys210Tyr)

Gene: FBN1 (fibrillin 1; minus strand). Cytogenetic location: 15q21.1.
Variant type: single nucleotide variant.
Coding change: c.629G>A on transcript NM_000138.5 (MANE Select); coding-DNA position 629, G replaced by A.
Protein change: p.Cys210Tyr; replaces cysteine 210 with tyrosine.
Molecular consequence: missense variant.
Genome position (GRCh38, 1-based): chr15:48,537,718, C>T on the plus strand (G>A on the coding strand, the complement: FBN1 is on the minus strand). VCF-style: chr15-48537718-C-T. GRCh37 (hg19) VCF-style: chr15-48829915-C-T.
Other names: NM_000138.4(FBN1):c.629G>A; p.Cys210Tyr; short protein forms C210Y.
Identifiers: ClinVar variation 426140 (VCV000426140.4), dbSNP rs1085307468, ClinGen allele CA392446003.
Genomic context (GRCh38, chr15:48,537,718, plus strand): 5'-GGGTGAGGCTGGGCAGGACACATCTCACAGGGGTGGCCCCAGGCTCGGCCGACTGTGGCA[C>T]AGCAGAGCGTTTTTGTGCAGACAATCCCGCTGAGTTGTCCCTGGCACATCTGGTTGCTGA-3'
Protein context (NP_000129.3, residues 200-220): SGIVCTKTLC[Cys210Tyr]ATVGRAWGHP

ClinVar aggregate classification (germline): Likely pathogenic. Review status: reviewed by expert panel (3 of 4 stars). 4 submissions from 4 submitters: Likely pathogenic (1). 3 of the submissions do not count toward it. Last evaluated 2023-06-15.

Conditions:
Marfan syndrome (MFS). Also called: MARFAN SYNDROME, TYPE I; FBN1-Related Marfan Syndrome; Marfan syndrome type 1; Marfan's syndrome; Marfan syndrome, classic. Identifiers: Orphanet 284963, Orphanet 558, MedGen C0024796, MONDO:0007947, OMIM 154700.
FBN1-related disorder. Also called: FBN1-related disorders.

Submissions (4):

ClinGen FBN1 Variant Curation Expert Panel, ClinGen
Classification: Likely pathogenic for Marfan syndrome. Last evaluated: 2023-06-15. Review status: reviewed by expert panel. Criteria: Assertion Criteria VCEP FBN1 Version 1. Collection method: curation. Allele origin: germline. Inheritance: Autosomal dominant inheritance.
Comment: The NM_00138 c.629G>A, is a missense variant in FBN1 predicted to cause a substitution of a cysteine by tyrosine at amino acid 210 (p.Cys210Tyr). This variant was reported in an individual diagnosed with Marfan syndrome (PMID 33711475), and in an individual with ectopia lentis, pectus carinatum, foot deformity, dural ectasia, and protrusio acetabuli (PMID 31825148) (PS4_Mod). This variant is not present in gnomAD (PM2_sup). The variant in FBN1 has been reported twice in ClinVar as likely pathogenic (Variation ID: 426140). This variant affects a cysteine residue is in the 1st Hybrid domain of protein (PM1). Computational prediction tools and conservation analysis suggest that this variant may impact the protein structure (REVEL: 0.94) (PP3). The constraint z-score for missense variants affecting FBN1 is 5.06 (PP2). In summary, this variant meets criteria to be classified as likely pathogenic for Marfan syndrome based on the ACMG/AMP criteria applied, as specified by the ClinGen FBN1 VCEP: PM1, PS4_Moderate, PM2_Supportive, PP2, PP3

Blueprint Genetics
Classification: Likely pathogenic for FBN1-related disorders. Last evaluated: 2021-03-30. Review status: criteria provided, single submitter. Criteria: ACMG Guidelines, 2015. Collection method: clinical testing. Allele origin: germline. Affected: yes. Observed: 1 variant allele. Not counted in ClinVar's aggregate classification.

GeneDx
Classification: Likely pathogenic. Last evaluated: 2017-05-01. Review status: criteria provided, single submitter. Criteria: GeneDx Variant Classification (06012015). Collection method: clinical testing. Allele origin: germline. Affected: yes. Not counted in ClinVar's aggregate classification.
Comment: The C210Y variant has been reported in one individual with suspected Marfan syndrome and was absent in 46 healthy controls (Tjeldhorn et al., 2006). However, specific clinical data, family history and segregation data were not provided (Tjeldhorn et al., 2006). The C210Y variant was not observed in approximately 6,500 individuals of European and African American ancestry in the NHLBI Exome Sequencing Project, indicating it is not a common benign variant in these populations. The C210Y variant is a non-conservative amino acid substitution, which is likely to impact secondary protein structure as these residues differ in polarity, charge, size and/or other properties. This substitution occurs at a position that is conserved across species and in silico analysis predicts this variant is probably damaging to the protein structure/function. Furthermore, missense variants in nearby residues (C209Y, T212R, G214S, G214R, W217G) have been reported in the Human Gene Mutation Database in association with Marfan syndrome and ectopia lentis (Stenson et al., 2014), supporting the functional importance of this region of the protein.Therefore, this variant is a strong candidate for a pathogenic variant, however the possibility that it is a benign variant cannot be excluded.

Center for Medical Genetics Ghent, University of Ghent
Classification: Likely pathogenic for Marfan syndrome. Last evaluated: 2017-11-07. Review status: no assertion criteria provided. Collection method: clinical testing. Allele origin: germline. Affected: yes. Not counted in ClinVar's aggregate classification.